The following is an entry in ClinVar:

NM_182961.4(SYNE1):c.1953T>C (p.Pro651=)

Gene: SYNE1 (spectrin repeat containing nuclear envelope protein 1; minus strand). Cytogenetic location: 6q25.2.
Variant type: single nucleotide variant.
Coding change: c.1953T>C on transcript NM_182961.4 (MANE Select); coding-DNA position 1953, T replaced by C.
Protein change: p.Pro651=; no amino-acid change (proline 651 retained).
Molecular consequence: synonymous variant.
Genome position (GRCh38, 1-based): chr6:152,463,497, A>G on the plus strand (T>C on the coding strand, the complement: SYNE1 is on the minus strand). VCF-style: chr6-152463497-A-G. GRCh37 (hg19) VCF-style: chr6-152784632-A-G.
Other names: c.1974T>C, p.Pro658= (NM_033071.5).
Identifiers: ClinVar variation 3571741 (VCV003571741.1).

ClinVar aggregate classification (germline): Uncertain significance (1 of 4 stars; one submission).

gnomAD v4.1: 13 of 1,613,446 alleles (0.00081%); highest among the groups gnomAD compares: Non-Finnish European, 0.001%; no homozygotes.

Submission:

Athena Diagnostics
Classification: Uncertain significance. Last evaluated: 2024-02-15. Review status: criteria provided, single submitter. Criteria: Athena Diagnostics Criteria. Collection method: clinical testing. Allele origin: unknown.
Comment: Available data are insufficient to determine the clinical significance of the variant at this time. This variant has not been reported in large, multi-ethnic general populations. Computational tools yielded predictions that this variant is unlikely to have an effect on normal RNA splicing.